The following is an entry in ClinVar:

NM_000548.5(TSC2):c.4325A>T (p.Glu1442Val)

Gene: TSC2 (TSC complex subunit 2; plus strand). Cytogenetic location: 16p13.3.
Variant type: single nucleotide variant.
Coding change: c.4325A>T on transcript NM_000548.5 (MANE Select); coding-DNA position 4325, A replaced by T.
Protein change: p.Glu1442Val; replaces glutamic acid 1442 with valine.
Molecular consequence: missense variant.
Genome position (GRCh38, 1-based): chr16:2,084,547, A>T. VCF-style: chr16-2084547-A-T. GRCh37 (hg19) VCF-style: chr16-2134548-A-T.
Other names: c.4124A>T, p.Glu1375Val (NM_001077183.3); c.4256A>T, p.Glu1419Val (NM_001114382.3); c.4016A>T, p.Glu1339Val (NM_001318827.2); c.3980A>T, p.Glu1327Val (NM_001318829.2); c.3593A>T, p.Glu1198Val (NM_001318831.2); c.4157A>T, p.Glu1386Val (NM_001318832.2); c.4127A>T, p.Glu1376Val (NM_001363528.2); c.4193A>T, p.Glu1398Val (NM_001370404.1); and 1 more; short protein forms E1442V, E1375V, E1376V, E1386V, E1198V, E1339V, E1398V, E1399V.
Identifiers: ClinVar variation 468080 (VCV000468080.16), dbSNP rs1204349917, ClinGen allele CA394301360.

ClinVar aggregate classification (germline): Uncertain significance. Review status: criteria provided, multiple submitters, no conflicts (2 of 4 stars). 5 submissions from 5 submitters: Uncertain significance (5). Last evaluated 2025-09-11.

Conditions:
Isolated focal cortical dysplasia type II (FCORD2). Also called: CORTICAL DYSPLASIA OF TAYLOR; Focal cortical dysplasia type II. Identifiers: Orphanet 268994, MedGen C1846385, MONDO:0011818, OMIM 607341, HP:0032051.
Tuberous sclerosis syndrome (TSC). Also called: Tuberous Sclerosis Complex; Tuberous sclerosis. Identifiers: Orphanet 805, MedGen C0041341, MONDO:0001734.
Tuberous sclerosis 2 (TSC2). Identifiers: Orphanet 805, MedGen C1860707, MONDO:0013199, OMIM 613254.
Hereditary cancer-predisposing syndrome. Also called: Hereditary neoplastic syndrome; Neoplastic Syndromes, Hereditary; Tumor predisposition; Hereditary Cancer Syndrome. Identifiers: Orphanet 140162, MedGen C0027672, MeSH D009386, MONDO:0015356.

gnomAD v4.1: 1 of 1,609,228 alleles (0.000062%); highest among the groups gnomAD compares: Non-Finnish European, 0.000085%; no homozygotes.

Submissions (5):

Color Diagnostics, LLC DBA Color Health
Classification: Uncertain significance for Tuberous sclerosis syndrome. Last evaluated: 2025-09-11. Review status: criteria provided, single submitter. Criteria: ACMG Guidelines, 2015. Collection method: clinical testing. Allele origin: germline.
Comment: This missense variant replaces glutamic acid with valine at codon 1442 of the TSC2 protein. Computational prediction suggests that this variant may not impact protein structure and function. To our knowledge, functional studies have not been reported for this variant. This variant has not been reported in individuals affected with TSC2-related disorders in the literature. This variant has not been identified in the general population by the Genome Aggregation Database (gnomAD). The available evidence is insufficient to determine the role of this variant in disease conclusively. Therefore, this variant is classified as a Variant of Uncertain Significance.

All of Us Research Program, National Institutes of Health
Classification: Uncertain significance for Tuberous sclerosis syndrome. Last evaluated: 2024-05-30. Review status: criteria provided, single submitter. Criteria: ACMG Guidelines, 2015. Collection method: clinical testing. Allele origin: germline. Inheritance: Autosomal dominant inheritance. Observed: 2 variant alleles, 2 heterozygotes.
Comment: This missense variant replaces glutamic acid with valine at codon 1442 of the TSC2 protein. Computational prediction suggests that this variant may not impact protein structure and function (internally defined REVEL score threshold <= 0.5, PMID: 27666373). To our knowledge, functional studies have not been reported for this variant. This variant has not been reported in individuals affected with TSC2-related disorders in the literature. This variant has not been identified in the general population by the Genome Aggregation Database (gnomAD). The available evidence is insufficient to determine the role of this variant in disease conclusively. Therefore, this variant is classified as a Variant of Uncertain Significance.

This study involves interpretation of variants in research participants for the purpose of population health screening. Participant phenotype was not available at the time of variant classification. Additional details can be found in publication PMID: 35346344, PMCID: PMC8962531

Ambry Genetics
Classification: Uncertain significance for Hereditary cancer-predisposing syndrome. Last evaluated: 2024-02-25. Review status: criteria provided, single submitter. Criteria: Ambry Variant Classification Scheme 2023. Collection method: clinical testing. Allele origin: germline.
Comment: The p.E1442V variant (also known as c.4325A>T), located in coding exon 33 of the TSC2 gene, results from an A to T substitution at nucleotide position 4325. The glutamic acid at codon 1442 is replaced by valine, an amino acid with dissimilar properties. This amino acid position is conserved. In addition, the in silico prediction for this alteration is inconclusive. Since supporting evidence is limited at this time, the clinical significance of this alteration remains unclear.

Baylor Genetics
Classification: Uncertain significance for Isolated focal cortical dysplasia type II. Last evaluated: 2023-11-10. Review status: criteria provided, single submitter. Criteria: ACMG Guidelines, 2015. Collection method: clinical testing. Allele origin: unknown.

Labcorp Genetics (formerly Invitae), Labcorp
Classification: Uncertain significance for Tuberous sclerosis 2. Last evaluated: 2018-04-19. Review status: criteria provided, single submitter. Criteria: Invitae Variant Classification Sherloc (09022015). Collection method: clinical testing. Allele origin: germline.
Comment: In summary, the available evidence is currently insufficient to determine the role of this variant in disease. Therefore, it has been classified as a Variant of Uncertain Significance. Algorithms developed to predict the effect of sequence changes on RNA splicing suggest that this variant may create or strengthen a splice site, but this prediction has not been confirmed by published transcriptional studies. Algorithms developed to predict the effect of missense changes on protein structure and function do not agree on the potential impact of this missense change (SIFT: "Deleterious"; PolyPhen-2: "Benign"; Align-GVGD: "Class C0"). This variant has not been reported in the literature in individuals with TSC2-related disease. ClinVar contains an entry for this variant (Variation ID: 468080). This variant is not present in population databases (ExAC no frequency). This sequence change replaces glutamic acid with valine at codon 1442 of the TSC2 protein (p.Glu1442Val). The glutamic acid residue is moderately conserved and there is a moderate physicochemical difference between glutamic acid and valine.